The following is an entry in ClinVar:

NM_001267550.2(TTN):c.97193-16T>G

Genes: TTN-AS1 (TTN antisense RNA 1; plus strand), TTN (titin; minus strand). Cytogenetic location: 2q31.2.
Variant type: single nucleotide variant.
Coding change: c.97193-16T>G on transcript NM_001267550.2 (MANE Select); 16 bases into the intron before coding-DNA position 97193, T replaced by G.
Molecular consequence: intron variant.
Genome position (GRCh38, 1-based): chr2:178,542,579, A>C on the plus strand (T>G on the coding strand, the complement: TTN is on the minus strand). VCF-style: chr2-178542579-A-C. GRCh37 (hg19) VCF-style: chr2-179407306-A-C.
Other names: c.92270-16T>G (NM_001256850.1); c.69998-16T>G (NM_003319.4); c.70574-16T>G (NM_133437.4); c.70373-16T>G (NM_133432.3); c.89489-16T>G (NM_133378.4).
Identifiers: ClinVar variation 378830 (VCV000378830.19), dbSNP rs371317486, ClinGen allele CA1986601.
Genomic context (GRCh38, chr2:178,542,579, plus strand): 5'-CAATTTCATCAATCTTAATAGGTCCTGTTGGTGGACCAGGCTTGTCTATGAAAGAGAAGA[A>C]ATACAGGAAATTAATTTTTACTTCAAATCAAAATTGGGTGACTGAACATCAACTTGCTTG-3'

ClinVar aggregate classification (germline): Conflicting classifications of pathogenicity. Review status: criteria provided, conflicting classifications (1 of 4 stars). 6 submissions from 6 submitters: Uncertain significance (1); Benign (2); Likely benign (3). Last evaluated 2025-12-17.

Conditions:
TTN-related disorder. Also called: TTN-related disorders; TTN-related condition; TTN-related disease.
Autosomal recessive limb-girdle muscular dystrophy type 2J (LGMDR10). Also called: Limb-girdle muscular dystrophy, type 2J; MUSCULAR DYSTROPHY, LIMB-GIRDLE, AUTOSOMAL RECESSIVE 10. Identifiers: Orphanet 140922, MedGen C1837342, MONDO:0012127, OMIM 608807.
Dilated cardiomyopathy 1G (CMD1G). Identifiers: Orphanet 154, MedGen C1858763, MONDO:0011400, OMIM 604145.
Tibial muscular dystrophy (TMD). Also called: UDD MYOPATHY; Tibial muscular dystrophy, tardive; Udd Distal Myopathy – Tibial Muscular Dystrophy. Identifiers: Orphanet 609, MedGen C1838244, MONDO:0010870, OMIM 600334.

Allele frequency attached by ClinVar (database versions not stated): TOPMed 0.00008; gnomAD 0.00011; ESP Exome Variant Server 0.00017; ExAC 0.00018.
gnomAD v4.1: 134 of 1,591,840 alleles (0.0084%); highest among the groups gnomAD compares: Non-Finnish European, 0.01%; no homozygotes.

Submissions (6):

PreventionGenetics, part of Exact Sciences
Classification: Likely benign for TTN-related condition. Last evaluated: 2025-12-17. Review status: criteria provided, single submitter. Criteria: ACMG Guidelines, 2015. Collection method: clinical testing. Allele origin: germline.
Comment: This variant is classified as likely benign based on ACMG/AMP sequence variant interpretation guidelines (Richards et al. 2015 PMID: 25741868, with internal and published modifications).

Labcorp Genetics (formerly Invitae), Labcorp
Classification: Likely benign for Dilated cardiomyopathy 1G; Autosomal recessive limb-girdle muscular dystrophy type 2J. Last evaluated: 2025-10-15. Review status: criteria provided, single submitter. Criteria: Invitae Variant Classification Sherloc (09022015). Collection method: clinical testing. Allele origin: germline.

Women's Health and Genetics/Laboratory Corporation of America, LabCorp
Classification: Uncertain significance. Last evaluated: 2025-09-22. Review status: criteria provided, single submitter. Criteria: LabCorp Variant Classification Summary - May 2015. Collection method: clinical testing. Allele origin: germline.
Comment: Variant summary: TTN c.89489-16T>G alters a nucleotide located at a position not widely known to affect splicing. Several computational tools predict a significant impact on normal splicing: Two predict the variant creates a 5' donor site. However, these predictions have yet to be confirmed by functional studies. The variant allele was found at a frequency of 0.00011 in 236162 control chromosomes (gnomAD). This frequency is not significantly higher than estimated for disease-causing variants in TTN, allowing no conclusion about variant significance. To our knowledge, no occurrence of c.89489-16T>G in individuals affected with TTN-related conditions and no experimental evidence demonstrating its impact on protein function have been reported. ClinVar contains an entry for this variant (Variation ID: 378830). Based on the evidence outlined above, the variant was classified as uncertain significance.

Blueprint Genetics
Classification: Likely benign. Last evaluated: 2024-11-14. Review status: criteria provided, single submitter. Criteria: ACMG Guidelines, 2015. Collection method: clinical testing. Allele origin: germline.

Centre for Mendelian Genomics, University Medical Centre Ljubljana
Classification: Benign for Tibial muscular dystrophy. Last evaluated: 2019-03-27. Review status: criteria provided, single submitter. Criteria: ACMG Guidelines, 2015. Collection method: clinical testing. Allele origin: unknown. Affected: yes.
Comment: This variant was classified as: Benign. The following ACMG criteria were applied in classifying this variant: BS1,BP4.

GeneDx
Classification: Benign. Last evaluated: 2016-02-23. Review status: criteria provided, single submitter. Criteria: GeneDx Variant Classification (06012015). Collection method: clinical testing. Allele origin: germline. Affected: yes.
Comment: This variant is considered likely benign or benign based on one or more of the following criteria: it is a conservative change, it occurs at a poorly conserved position in the protein, it is predicted to be benign by multiple in silico algorithms, and/or has population frequency not consistent with disease.